The following is an entry in ClinVar:

ClinVar aggregate classification (germline): Pathogenic (1 of 4 stars; one submission).

Submission:

GeneDx
Classification: Pathogenic. Last evaluated: 2014-03-02. Review status: criteria provided, single submitter. Criteria: GeneDx Variant Classification (06012015). Collection method: clinical testing. Allele origin: germline. Affected: yes.
Comment: Although the c.6722_6725dupACCG variant in the FBN1 gene has not been reported to our knowledge, this variant causes a shift in reading frame starting at codon Arginine 2243, changing it to a Proline, and creating a premature stop codon at position 2 of the new reading frame, denoted p.Arg2243ProfsX2. This variant is expected to result in either an abnormal, truncated protein product or loss of protein from this allele through nonsense-mediated mRNA decay. Other frameshift variants in the FBN1 gene have been reported in association with Marfan syndrome. In summary, c.6722_6725dupACCG in the FBN1 gene is interpreted as a pathogenic variant.

NM_000138.5(FBN1):c.6722_6725dup (p.Arg2243fs)

Gene: FBN1 (fibrillin 1; minus strand). Cytogenetic location: 15q21.1.
Variant type: Duplication.
Coding change: c.6722_6725dup on transcript NM_000138.5 (MANE Select); coding-DNA positions 6722 to 6725, 4 bases duplicated (ACCG; older notation c.6722_6725dupACCG).
Protein change: p.Arg2243fs; shifts the reading frame from arginine 2243.
Molecular consequence: frameshift variant.
Genome position (GRCh38, 1-based): chr15:48,432,880-48,432,883, CGGT duplicated on the plus strand (ACCG on the coding strand, the reverse complement: FBN1 is on the minus strand); duplicating any 4 consecutive bases within chr15:48,432,880-48,432,884 gives the same sequence; the c. name uses the placement nearest the transcript's 3' end. VCF-style (leftmost placement, unchanged base first): chr15-48432879-A-ACGGT. GRCh37 (hg19) VCF-style: chr15-48725076-A-ACGGT.
Other names: c.6722_6725dupACCG (NM_000138.4); short protein forms R2243fs.
Identifiers: ClinVar variation 200170 (VCV000200170.2), dbSNP rs794728318, ClinGen allele CA304354.